The following is an entry in ClinVar:

NM_002016.2(FLG):c.10411G>T (p.Gly3471Ter)

Genes: CCDST (cervical cancer associated DHX9 suppressive transcript; plus strand), FLG (filaggrin; minus strand). Cytogenetic location: 1q21.3.
Variant type: single nucleotide variant.
Coding change: c.10411G>T on transcript NM_002016.2 (MANE Select); coding-DNA position 10411, G replaced by T.
Protein change: p.Gly3471Ter; replaces glycine 3471 with a stop codon.
Molecular consequence: nonsense.
Genome position (GRCh38, 1-based): chr1:152,304,475, C>A on the plus strand (G>T on the coding strand, the complement: FLG is on the minus strand). VCF-style: chr1-152304475-C-A. GRCh37 (hg19) VCF-style: chr1-152276951-C-A.
Other names: short protein forms G3471*.
Identifiers: ClinVar variation 4838924 (VCV004838924.1).

ClinVar aggregate classification (germline): Likely pathogenic (1 of 4 stars; one submission).

Conditions:
Inborn genetic diseases. Identifiers: MedGen C0950123, MeSH D030342.

Submission:

Ambry Genetics
Classification: Likely pathogenic for Inborn genetic diseases. Last evaluated: 2026-01-26. Review status: criteria provided, single submitter. Criteria: Ambry Variant Classification Scheme 2023. Collection method: clinical testing. Allele origin: germline.
Comment: The c.10411G>T (p.G3471*) alteration, located in exon 3 (coding exon 2) of the FLG gene, consists of a G to T substitution at nucleotide position 10411. This changes the amino acid from a glycine (G) to a stop codon at amino acid position 3471. This variant is not expected to trigger nonsense-mediated mRNA decay, and impacts the last 14.5% of the protein. However, premature stop codons are typically deleterious in nature and a significant portion of the protein is affected (Ambry internal data). This variant was not reported in population-based cohorts in the Genome Aggregation Database (gnomAD). Based on the available evidence, this alteration is classified as likely pathogenic.